The following is an entry in ClinVar:

ClinVar aggregate classification (germline): Pathogenic/Likely pathogenic. Review status: criteria provided, multiple submitters, no conflicts (2 of 4 stars). 2 submissions from 2 submitters: Pathogenic (1); Likely pathogenic (1). Last evaluated 2025-11-18.

Conditions:
Ehlers-Danlos syndrome (EDS). Identifiers: Orphanet 98249, MedGen C0013720, MONDO:0020066.
Ehlers-Danlos syndrome due to tenascin-X deficiency (EDSCLL1). Also called: EDS DUE TO TNX DEFICIENCY; TNX DEFICIENCY; EHLERS-DANLOS SYNDROME, CLASSIC-LIKE; Ehlers-Danlos syndrome, classic-like, 1; TNXB-Related Classical-Like Ehlers-Danlos Syndrome. Identifiers: Orphanet 230839, MedGen C1848029, MONDO:0011670, OMIM 606408.

Submissions (2):

Myriad Genetics, Inc.
Classification: Pathogenic for Ehlers-Danlos syndrome due to tenascin-X deficiency. Last evaluated: 2025-11-18. Review status: criteria provided, single submitter. Criteria: Myriad Autosomal Dominant, Autosomal Recessive and X-Linked Classification Criteria (2023). Collection method: clinical testing. Allele origin: unknown.
Comment: NM_019105.6(TNXB):c.8247delT(D2750Tfs*3) is expected to be pathogenic in the context of classical-like Ehlers-Danlos syndrome, TNXB-related. This variant is predicted to lead to an abnormal or absent protein product due to the creation of a premature termination codon in TNXB, a gene where loss-of-function variants are known to be pathogenic. Please note: this variant was assessed in the context of healthy population screening.

Genome Diagnostics Laboratory, The Hospital for Sick Children
Classification: Likely pathogenic for Ehlers-Danlos syndrome. Last evaluated: 2019-05-01. Review status: criteria provided, single submitter. Criteria: ACMG Guidelines, 2015. Collection method: clinical testing. Allele origin: germline.

NM_001365276.2(TNXB):c.8247del (p.Asp2750fs)

Gene: TNXB (tenascin XB; minus strand). Cytogenetic location: 6p21.33.
Variant type: Deletion.
Coding change: c.8247del on transcript NM_001365276.2 (MANE Select); coding-DNA position 8247, one base deleted (T; older notation c.8247delT).
Protein change: p.Asp2750fs; shifts the reading frame from aspartic acid 2750.
Molecular consequence: frameshift variant.
Genome position (GRCh38, 1-based): chr6:32,056,071, A deleted on the plus strand (T on the coding strand, the reverse complement: TNXB is on the minus strand). VCF-style (leftmost placement, unchanged base first): chr6-32056070-CA-C. GRCh37 (hg19) VCF-style: chr6-32023847-CA-C.
Other names: c.8247del, p.Asp2750fs (NM_019105.8); short protein forms D2750fs.
Identifiers: ClinVar variation 1702352 (VCV001702352.4), dbSNP rs2151900685, ClinGen allele CA2580074314.
Genomic context (GRCh38, chr6:32,056,070, plus strand): 5'-ACTGCACGGTGAAGGAGTCGAAGTGGCCCTGGGGGATGGTCCAGGAGAGGCTCAGCGAGT[CA>C]GGGGAGGATCCTGTCACTGTCAGCTCCCCCAGGAGCGGCTCCTCAGGGGGCTCCGGGGCC-3'